The following is an entry in ClinVar:

ClinVar aggregate classification (germline): Uncertain significance (1 of 4 stars; one submission).

gnomAD v4.1: 2 of 1,613,724 alleles (0.00012%); highest among the groups gnomAD compares: Non-Finnish European, 0.000085%; no homozygotes.

Submission:

Labcorp Genetics (formerly Invitae), Labcorp
Classification: Uncertain significance. Last evaluated: 2022-07-23. Review status: criteria provided, single submitter. Criteria: Invitae Variant Classification Sherloc (09022015). Collection method: clinical testing. Allele origin: germline.
Comment: This sequence change affects codon 862 of the COL7A1 mRNA. It is a 'silent' change, meaning that it does not change the encoded amino acid sequence of the COL7A1 protein. It affects a nucleotide within the consensus splice site. This variant is not present in population databases (gnomAD no frequency). This variant has not been reported in the literature in individuals affected with COL7A1-related conditions. Algorithms developed to predict the effect of sequence changes on RNA splicing suggest that this variant is not likely to affect RNA splicing. In summary, the available evidence is currently insufficient to determine the role of this variant in disease. Therefore, it has been classified as a Variant of Uncertain Significance.

NM_000094.4(COL7A1):c.2586G>C (p.Thr862=)

Gene: COL7A1 (collagen type VII alpha 1 chain; minus strand). Cytogenetic location: 3p21.31.
Variant type: single nucleotide variant.
Coding change: c.2586G>C on transcript NM_000094.4 (MANE Select); coding-DNA position 2586, G replaced by C.
Protein change: p.Thr862=; no amino-acid change (threonine 862 retained).
Molecular consequence: synonymous variant.
Genome position (GRCh38, 1-based): chr3:48,588,643, C>G on the plus strand (G>C on the coding strand, the complement: COL7A1 is on the minus strand). VCF-style: chr3-48588643-C-G. GRCh37 (hg19) VCF-style: chr3-48626076-C-G.
Identifiers: ClinVar variation 1960027 (VCV001960027.2), dbSNP rs537416600, ClinGen allele CA433545666.